The following is an entry in ClinVar:

NM_015512.5(DNAH1):c.8681A>G (p.Lys2894Arg)

Gene: DNAH1 (dynein axonemal heavy chain 1; plus strand). Cytogenetic location: 3p21.1.
Variant type: single nucleotide variant.
Coding change: c.8681A>G on transcript NM_015512.5 (MANE Select); coding-DNA position 8681, A replaced by G.
Protein change: p.Lys2894Arg; replaces lysine 2894 with arginine.
Molecular consequence: missense variant.
Genome position (GRCh38, 1-based): chr3:52,386,215, A>G. VCF-style: chr3-52386215-A-G. GRCh37 (hg19) VCF-style: chr3-52420231-A-G.
Other names: short protein forms K2894R.
Identifiers: ClinVar variation 658573 (VCV000658573.11), dbSNP rs192608206, ClinGen allele CA2435296.

ClinVar aggregate classification (germline): Uncertain significance. Review status: criteria provided, multiple submitters, no conflicts (2 of 4 stars). 3 submissions from 3 submitters: Uncertain significance (3). Last evaluated 2022-07-05.

Conditions:
Spermatogenic failure 18. Identifiers: MedGen C4539783, MONDO:0054615, OMIM 617576.
Ciliary dyskinesia, primary, 37 (CILD37). Also called: CILIARY DYSKINESIA, PRIMARY, 37, WITH OR WITHOUT SITUS INVERSUS. Identifiers: MedGen C4539798, MONDO:0033204, OMIM 617577.

Allele frequency attached by ClinVar (database versions not stated): gnomAD exomes 0.00001 and 0.00002; ExAC 0.00003; gnomAD 0.00003 and 0.00004; TOPMed 0.00005; 1000 Genomes Project 30x 0.00016; 1000 Genomes Project 0.00020; ESP Exome Variant Server 0.00024.
gnomAD v4.1: 23 of 1,613,916 alleles (0.0014%); highest among the groups gnomAD compares: African/African-American, 0.025%; no homozygotes.

Submissions (3):

Labcorp Genetics (formerly Invitae), Labcorp
Classification: Uncertain significance for Ciliary dyskinesia, primary, 37; Spermatogenic failure 18. Last evaluated: 2022-07-05. Review status: criteria provided, single submitter. Criteria: Invitae Variant Classification Sherloc (09022015). Collection method: clinical testing. Allele origin: germline.
Comment: This variant is present in population databases (rs192608206, gnomAD 0.02%). This variant has not been reported in the literature in individuals affected with DNAH1-related conditions. ClinVar contains an entry for this variant (Variation ID: 658573). Algorithms developed to predict the effect of missense changes on protein structure and function are either unavailable or do not agree on the potential impact of this missense change (SIFT: "Deleterious"; PolyPhen-2: "Benign"; Align-GVGD: "Class C0"). In summary, the available evidence is currently insufficient to determine the role of this variant in disease. Therefore, it has been classified as a Variant of Uncertain Significance. This sequence change replaces lysine, which is basic and polar, with arginine, which is basic and polar, at codon 2894 of the DNAH1 protein (p.Lys2894Arg).

Ambry Genetics
Classification: Uncertain significance. Last evaluated: 2021-12-14. Review status: criteria provided, single submitter. Criteria: Ambry Variant Classification Scheme 2023. Collection method: clinical testing. Allele origin: germline.

Revvity Omics, Revvity
Classification: Uncertain significance. Last evaluated: 2019-11-08. Review status: criteria provided, single submitter. Criteria: ACMG Guidelines, 2015. Collection method: clinical testing. Allele origin: germline.